The following is an entry in ClinVar:

NM_001165963.4(SCN1A):c.71C>G (p.Ala24Gly)

Gene: SCN1A (sodium voltage-gated channel alpha subunit 1; minus strand). Cytogenetic location: 2q24.3.
Variant type: single nucleotide variant.
Coding change: c.71C>G on transcript NM_001165963.4 (MANE Select); coding-DNA position 71, C replaced by G.
Protein change: p.Ala24Gly; replaces alanine 24 with glycine.
Molecular consequence: missense variant. On other transcripts: 5 prime UTR variant (1), non-coding transcript variant (1).
Genome position (GRCh38, 1-based): chr2:166,073,551, G>C on the plus strand (C>G on the coding strand, the complement: SCN1A is on the minus strand). VCF-style: chr2-166073551-G-C. GRCh37 (hg19) VCF-style: chr2-166930061-G-C.
Other names: c.71C>G, p.Ala24Gly (NM_001165964.3, NM_001202435.3, NM_001353948.2 and 10 more transcripts); c.-2355C>G (NM_001353961.2); c.71C>G (NM_001165963.1); short protein forms A24G.
Identifiers: ClinVar variation 1060484 (VCV001060484.11), dbSNP rs1489662325, ClinGen allele CA349243351.

ClinVar aggregate classification (germline): Uncertain significance. Review status: criteria provided, multiple submitters, no conflicts (2 of 4 stars). 2 submissions from 2 submitters: Uncertain significance (2). Last evaluated 2025-02-11.

Conditions:
Early-infantile DEE. Also called: Ohtahara syndrome; Early infantile epileptic encephalopathy with suppression bursts; Early infantile epileptic encephalopathy. Identifiers: Orphanet 1934, MedGen C0393706, MONDO:0800491.
Inborn genetic diseases. Identifiers: MedGen C0950123, MeSH D030342.

Allele frequency attached by ClinVar (database versions not stated): gnomAD exomes below 0.00001.
gnomAD v4.1: 2 of 1,614,104 alleles (0.00012%); highest among the groups gnomAD compares: Non-Finnish European, 0.00017%; no homozygotes.

Submissions (2):

Ambry Genetics
Classification: Uncertain significance for Inborn genetic diseases. Last evaluated: 2025-02-11. Review status: criteria provided, single submitter. Criteria: Ambry Variant Classification Scheme 2023. Collection method: clinical testing. Allele origin: germline.

Labcorp Genetics (formerly Invitae), Labcorp
Classification: Uncertain significance for Early-infantile DEE. Last evaluated: 2024-10-08. Review status: criteria provided, single submitter. Criteria: Invitae Variant Classification Sherloc (09022015). Collection method: clinical testing. Allele origin: germline.
Comment: This sequence change replaces alanine, which is neutral and non-polar, with glycine, which is neutral and non-polar, at codon 24 of the SCN1A protein (p.Ala24Gly). This variant is present in population databases (no rsID available, gnomAD 0.0009%). This variant has not been reported in the literature in individuals affected with SCN1A-related conditions. ClinVar contains an entry for this variant (Variation ID: 1060484). Invitae Evidence Modeling of protein sequence and biophysical properties (such as structural, functional, and spatial information, amino acid conservation, physicochemical variation, residue mobility, and thermodynamic stability) indicates that this missense variant is expected to disrupt SCN1A protein function with a positive predictive value of 95%. In summary, the available evidence is currently insufficient to determine the role of this variant in disease. Therefore, it has been classified as a Variant of Uncertain Significance.